The following is an entry in ClinVar:

NM_000460.4(THPO):c.505T>C (p.Ser169Pro)

Gene: THPO (thrombopoietin; minus strand). Cytogenetic location: 3q27.1.
Variant type: single nucleotide variant.
Coding change: c.505T>C on transcript NM_000460.4 (MANE Select); coding-DNA position 505, T replaced by C.
Protein change: p.Ser169Pro; replaces serine 169 with proline.
Molecular consequence: missense variant. On other transcripts: intron variant (2).
Genome position (GRCh38, 1-based): chr3:184,373,070, A>G on the plus strand (T>C on the coding strand, the complement: THPO is on the minus strand). VCF-style: chr3-184373070-A-G. GRCh37 (hg19) VCF-style: chr3-184090858-A-G.
Other names: c.493T>C, p.Ser165Pro (NM_001177597.2, NM_001290022.1); c.488T>C, p.Val163Ala (NM_001177598.2, NM_001290026.1); c.505T>C, p.Ser169Pro (NM_001289998.1, NM_001290028.1); c.925T>C, p.Ser309Pro (NM_001290003.1); c.477+28T>C (NM_001290027.1, NM_001289997.1); short protein forms S165P, S169P, V163A, S309P.
Identifiers: ClinVar variation 3004025 (VCV003004025.3), dbSNP rs900812317, ClinGen allele CA88912562.

ClinVar aggregate classification (germline): Uncertain significance (1 of 4 stars; one submission).

Allele frequency attached by ClinVar (database versions not stated): gnomAD 0.00001; gnomAD exomes 0.00001; TOPMed 0.00001.
gnomAD v4.1: 19 of 1,613,730 alleles (0.0012%); highest among the groups gnomAD compares: Non-Finnish European, 0.0014%; no homozygotes.

Submission:

Labcorp Genetics (formerly Invitae), Labcorp
Classification: Uncertain significance. Last evaluated: 2023-04-27. Review status: criteria provided, single submitter. Criteria: Invitae Variant Classification Sherloc (09022015). Collection method: clinical testing. Allele origin: germline.
Comment: In summary, the available evidence is currently insufficient to determine the role of this variant in disease. Therefore, it has been classified as a Variant of Uncertain Significance. Advanced modeling of protein sequence and biophysical properties (such as structural, functional, and spatial information, amino acid conservation, physicochemical variation, residue mobility, and thermodynamic stability) performed at Invitae indicates that this missense variant is not expected to disrupt THPO protein function. This variant has not been reported in the literature in individuals affected with THPO-related conditions. This variant is not present in population databases (gnomAD no frequency). This sequence change replaces serine, which is neutral and polar, with proline, which is neutral and non-polar, at codon 169 of the THPO protein (p.Ser169Pro).